The following is an entry in ClinVar:

ClinVar aggregate classification (germline): Likely benign. Review status: criteria provided, multiple submitters, no conflicts (2 of 4 stars). 5 submissions from 5 submitters: Likely benign (5). Last evaluated 2025-11-24.

Conditions:
Marfan syndrome (MFS). Also called: MARFAN SYNDROME, TYPE I; FBN1-Related Marfan Syndrome; Marfan syndrome type 1; Marfan's syndrome; Marfan syndrome, classic. Identifiers: Orphanet 284963, Orphanet 558, MedGen C0024796, MONDO:0007947, OMIM 154700.
Familial thoracic aortic aneurysm and aortic dissection (TAAD). Also called: Thoracic aortic aneurysms and dissections. Identifiers: Orphanet 91387, MedGen C4707243, MONDO:0019625.

Allele frequency attached by ClinVar (database versions not stated): gnomAD exomes 0.00003 and 0.00005; gnomAD 0.00006 and 0.00008; ExAC 0.00007; TOPMed 0.00003.
gnomAD v4.1: 51 of 1,610,254 alleles (0.0032%); highest among the groups gnomAD compares: Admixed American, 0.0067%; 1 homozygote.

Submissions (5):

Women's Health and Genetics/Laboratory Corporation of America, LabCorp
Classification: Likely benign. Last evaluated: 2025-11-24. Review status: criteria provided, single submitter. Criteria: LabCorp Variant Classification Summary - May 2015. Collection method: clinical testing. Allele origin: germline.

Labcorp Genetics (formerly Invitae), Labcorp
Classification: Likely benign for Marfan syndrome; Familial thoracic aortic aneurysm and aortic dissection. Last evaluated: 2024-12-15. Review status: criteria provided, single submitter. Criteria: Invitae Variant Classification Sherloc (09022015). Collection method: clinical testing. Allele origin: germline.

Blueprint Genetics
Classification: Likely benign. Last evaluated: 2023-12-27. Review status: criteria provided, single submitter. Criteria: ACMG Guidelines, 2015. Collection method: clinical testing. Allele origin: germline.

ARUP Laboratories, Molecular Genetics and Genomics, ARUP Laboratories
Classification: Likely benign. Last evaluated: 2022-03-28. Review status: criteria provided, single submitter. Criteria: ARUP Molecular Germline Variant Investigation Process 2021. Collection method: clinical testing. Allele origin: germline.

GeneDx
Classification: Likely benign. Last evaluated: 2018-05-08. Review status: criteria provided, single submitter. Criteria: GeneDx Variant Classification (06012015). Collection method: clinical testing. Allele origin: germline. Affected: yes.
Comment: This variant is considered likely benign or benign based on one or more of the following criteria: it is a conservative change, it occurs at a poorly conserved position in the protein, it is predicted to be benign by multiple in silico algorithms, and/or has population frequency not consistent with disease.

NM_000138.5(FBN1):c.3082+13G>A

Gene: FBN1 (fibrillin 1; minus strand). Cytogenetic location: 15q21.1.
Variant type: single nucleotide variant.
Coding change: c.3082+13G>A on transcript NM_000138.5 (MANE Select); 13 bases into the intron after coding-DNA position 3082, G replaced by A.
Molecular consequence: intron variant.
Genome position (GRCh38, 1-based): chr15:48,489,838, C>T on the plus strand (G>A on the coding strand, the complement: FBN1 is on the minus strand). VCF-style: chr15-48489838-C-T. GRCh37 (hg19) VCF-style: chr15-48782035-C-T.
Identifiers: ClinVar variation 668292 (VCV000668292.13), dbSNP rs757559866, ClinGen allele CA049731.